The following is an entry in ClinVar:

ClinVar aggregate classification (germline): Uncertain significance. Review status: criteria provided, multiple submitters, no conflicts (2 of 4 stars). 5 submissions from 5 submitters: Uncertain significance (5). Last evaluated 2025-12-15.

Conditions:
Familial adenomatous polyposis 1 (FAP1). Also called: FAMILIAL ADENOMATOUS POLYPOSIS 1, ATTENUATED; POLYPOSIS, ADENOMATOUS INTESTINAL. Identifiers: MedGen C2713442, MONDO:0021056, OMIM 175100. Disease mechanism: loss of function.
Hereditary cancer-predisposing syndrome. Also called: Tumor predisposition; Hereditary Cancer Syndrome; Neoplastic Syndromes, Hereditary; Hereditary neoplastic syndrome. Identifiers: Orphanet 140162, MedGen C0027672, MeSH D009386, MONDO:0015356.

gnomAD v4.1: 10 of 1,614,024 alleles (0.00062%); highest among the groups gnomAD compares: African/African-American, 0.0027%; no homozygotes.

Submissions (5):

Ambry Genetics
Classification: Uncertain significance for Hereditary cancer-predisposing syndrome. Last evaluated: 2025-12-15. Review status: criteria provided, single submitter. Criteria: Ambry Variant Classification Scheme 2023. Collection method: clinical testing. Allele origin: germline.
Comment: The p.P2467A variant (also known as c.7399C>G), located in coding exon 15 of the APC gene, results from a C to G substitution at nucleotide position 7399. The proline at codon 2467 is replaced by alanine, an amino acid with highly similar properties. This amino acid position is well conserved in available vertebrate species. In addition, in silico predictors for this gene do not accurately predict pathogenicity. Since supporting evidence is limited at this time, the clinical significance of this alteration remains unclear.

Labcorp Genetics (formerly Invitae), Labcorp
Classification: Uncertain significance for Familial adenomatous polyposis 1. Last evaluated: 2025-07-14. Review status: criteria provided, single submitter. Criteria: Invitae Variant Classification Sherloc (09022015). Collection method: clinical testing. Allele origin: germline.
Comment: This sequence change replaces proline, which is neutral and non-polar, with alanine, which is neutral and non-polar, at codon 2467 of the APC protein (p.Pro2467Ala). This variant is present in population databases (no rsID available, gnomAD 0.0009%). This variant has not been reported in the literature in individuals affected with APC-related conditions. ClinVar contains an entry for this variant (Variation ID: 486763). Invitae Evidence Modeling of protein sequence and biophysical properties (such as structural, functional, and spatial information, amino acid conservation, physicochemical variation, residue mobility, and thermodynamic stability) indicates that this missense variant is not expected to disrupt APC protein function with a negative predictive value of 95%. In summary, the available evidence is currently insufficient to determine the role of this variant in disease. Therefore, it has been classified as a Variant of Uncertain Significance.

GeneDx
Classification: Uncertain significance. Last evaluated: 2024-04-25. Review status: criteria provided, single submitter. Criteria: GeneDx Variant Classification Process June 2021. Collection method: clinical testing. Allele origin: germline. Affected: yes.
Comment: Not observed at significant frequency in large population cohorts (gnomAD); In silico analysis indicates that this missense variant does not alter protein structure/function; Observed in 0/1,229 biliary tract cancer cases and in at least 1/37,583 controls (PMID: 36243179); This variant is associated with the following publications: (PMID: 36243179)

Baylor Genetics
Classification: Uncertain significance for Familial adenomatous polyposis 1. Last evaluated: 2023-05-05. Review status: criteria provided, single submitter. Criteria: ACMG Guidelines, 2015. Collection method: clinical testing. Allele origin: unknown.

Color Diagnostics, LLC DBA Color Health
Classification: Uncertain significance for Hereditary cancer-predisposing syndrome. Last evaluated: 2019-05-09. Review status: criteria provided, single submitter. Criteria: ACMG Guidelines, 2015. Collection method: clinical testing. Allele origin: germline.

NM_000038.6(APC):c.7399C>G (p.Pro2467Ala)

Gene: APC (APC regulator of Wnt signaling pathway; plus strand). Cytogenetic location: 5q22.2.
Variant type: single nucleotide variant.
Coding change: c.7399C>G on transcript NM_000038.6 (MANE Select); coding-DNA position 7399, C replaced by G.
Protein change: p.Pro2467Ala; replaces proline 2467 with alanine.
Molecular consequence: missense variant.
Genome position (GRCh38, 1-based): chr5:112,842,993, C>G. VCF-style: chr5-112842993-C-G. GRCh37 (hg19) VCF-style: chr5-112178690-C-G.
Other names: c.7399C>G, p.Pro2467Ala (NM_001127510.3, NM_001354895.2); c.7345C>G, p.Pro2449Ala (NM_001127511.3); c.7453C>G, p.Pro2485Ala (NM_001354896.2); c.7429C>G, p.Pro2477Ala (NM_001354897.2); c.7324C>G, p.Pro2442Ala (NM_001354898.2); c.7315C>G, p.Pro2439Ala (NM_001354899.2); c.7276C>G, p.Pro2426Ala (NM_001354900.2); c.7222C>G, p.Pro2408Ala (NM_001354901.2); and 5 more; short protein forms P2467A, P2449A, P2376A, P2485A, P2184A, P2408A, P2426A, P2477A.
Identifiers: ClinVar variation 486763 (VCV000486763.20), dbSNP rs372305287, ClinGen allele CA16037442.